The following is an entry in ClinVar:

NM_004006.3(DMD):c.406A>G (p.Ser136Gly)

Gene: DMD (dystrophin; minus strand). Cytogenetic location: Xp21.1.
Variant type: single nucleotide variant.
Coding change: c.406A>G on transcript NM_004006.3 (MANE Select); coding-DNA position 406, A replaced by G.
Protein change: p.Ser136Gly; replaces serine 136 with glycine.
Molecular consequence: missense variant.
Genome position (GRCh38, 1-based): chrX:32,816,592, T>C on the plus strand (A>G on the coding strand, the complement: DMD is on the minus strand). VCF-style: chrX-32816592-T-C. GRCh37 (hg19) VCF-style: chrX-32834709-T-C.
Other names: c.382A>G, p.Ser128Gly (NM_000109.4); c.394A>G, p.Ser132Gly (NM_004009.3); c.37A>G, p.Ser13Gly (NM_004010.3); short protein forms S128G, S136G, S13G, S132G.
Identifiers: ClinVar variation 3694799 (VCV003694799.2).

ClinVar aggregate classification (germline): Uncertain significance (1 of 4 stars; one submission).

Conditions:
Duchenne muscular dystrophy (DMD). Also called: MUSCULAR DYSTROPHY, PSEUDOHYPERTROPHIC PROGRESSIVE, DUCHENNE TYPE; Duchenne Muscular Dystrophy (DMD). Identifiers: Orphanet 98896, MedGen C0013264, MONDO:0010679, OMIM 310200.

Submission:

Labcorp Genetics (formerly Invitae), Labcorp
Classification: Uncertain significance for Duchenne muscular dystrophy. Last evaluated: 2024-09-15. Review status: criteria provided, single submitter. Criteria: Invitae Variant Classification Sherloc (09022015). Collection method: clinical testing. Allele origin: germline.
Comment: This sequence change replaces serine, which is neutral and polar, with glycine, which is neutral and non-polar, at codon 136 of the DMD protein (p.Ser136Gly). This variant is not present in population databases (gnomAD no frequency). This variant has not been reported in the literature in individuals affected with DMD-related conditions. Invitae Evidence Modeling of protein sequence and biophysical properties (such as structural, functional, and spatial information, amino acid conservation, physicochemical variation, residue mobility, and thermodynamic stability) indicates that this missense variant is not expected to disrupt DMD protein function with a negative predictive value of 95%. In summary, the available evidence is currently insufficient to determine the role of this variant in disease. Therefore, it has been classified as a Variant of Uncertain Significance.